The following is an entry in ClinVar:

ClinVar aggregate classification (germline): Likely benign (1 of 4 stars; one submission).

Allele frequency attached by ClinVar (database versions not stated): ESP Exome Variant Server 0.00682.

Submission:

CeGaT Center for Human Genetics Tuebingen
Classification: Likely benign. Last evaluated: 2025-09-01. Review status: criteria provided, single submitter. Criteria: CeGaT Center For Human Genetics Tuebingen Variant Classification Criteria Version 2. Collection method: clinical testing. Allele origin: germline. Affected: yes. Observed: 5 variant alleles.
Comment: PLIN4: PM2:Supporting, BP4, BP7

NM_001367868.2(PLIN4):c.900C>T (p.Thr300=)

Gene: PLIN4 (perilipin 4; minus strand). Cytogenetic location: 19p13.3.
Variant type: single nucleotide variant.
Coding change: c.900C>T on transcript NM_001367868.2 (MANE Select); coding-DNA position 900, C replaced by T.
Protein change: p.Thr300=; no amino-acid change (threonine 300 retained).
Molecular consequence: synonymous variant.
Genome position (GRCh38, 1-based): chr19:4,513,060, G>A on the plus strand (C>T on the coding strand, the complement: PLIN4 is on the minus strand). VCF-style: chr19-4513060-G-A. GRCh37 (hg19) VCF-style: chr19-4513072-G-A.
Other names: c.903C>T, p.Thr301= (NM_001393888.1, NM_001393889.1); c.900C>T, p.Thr300= (NM_001393890.1, NM_001393891.1).
Identifiers: ClinVar variation 2649062 (VCV002649062.24), dbSNP rs372118851, ClinGen allele CA9100949.